The following is an entry in ClinVar:

NM_005121.3(MED13):c.3048GACTCCTCG[1] (p.1011TPR[3])

Gene: MED13 (mediator complex subunit 13; minus strand). Cytogenetic location: 17q23.2.
Variant type: Microsatellite.
Coding change: c.3048GACTCCTCG[1] on transcript NM_005121.3 (MANE Select); one copy of the 9-base unit GACTCCTCG starting at c.3048; the reference has two copies in a row; one copy, 9 bases deleted.
Protein change: p.1011TPR[3].
Molecular consequence: inframe deletion.
Genome position (GRCh38, 1-based): chr17:61,982,938-61,982,946, CGAGGAGTC deleted on the plus strand (GACTCCTCG on the coding strand, the reverse complement: MED13 is on the minus strand); deleting any 9 consecutive bases within chr17:61,982,938-61,982,956 gives the same sequence; the position shown is the placement nearest the transcript's 3' end. VCF-style (leftmost placement, unchanged base first): chr17-61982937-ACGAGGAGTC-A. GRCh37 (hg19) VCF-style: chr17-60060298-ACGAGGAGTC-A.
Identifiers: ClinVar variation 2211451 (VCV002211451.2), dbSNP rs766380095, ClinGen allele CA8692706.

ClinVar aggregate classification (germline): Uncertain significance (1 of 4 stars; one submission).

Conditions:
Inborn genetic diseases. Identifiers: MedGen C0950123, MeSH D030342.

Submission:

Ambry Genetics
Classification: Uncertain significance for Inborn genetic diseases. Last evaluated: 2022-06-02. Review status: criteria provided, single submitter. Criteria: Ambry Variant Classification Scheme 2023. Collection method: clinical testing. Allele origin: germline.
Comment: The c.3057_3065delGACTCCTCG (p.T1020_R1022del) alteration is located in exon 16 (coding exon 16) of the MED13 gene. This alteration consists of an in-frame deletion of 9 nucleotides between nucleotide positions c.3057 and c.3065, resulting in the deletion of 3 residues. Based on insufficient or conflicting evidence, the clinical significance of this alteration remains unclear.